The following is an entry in ClinVar:

GRCh38/hg38 16q21-22.1(chr16:62179331-67770414)x1

Genes: CDH5 (cadherin 5; plus strand), CES2 (carboxylesterase 2; plus strand), CES3 (carboxylesterase 3; plus strand), CES4A (carboxylesterase 4A; plus strand), CIAO2B (cytosolic iron-sulfur assembly component 2B; minus strand) and 174 more. Cytogenetic location: 16q21-22.1.
Variant type: copy number loss.
Change: copy number 1 (one copy instead of two) of chr16:62,179,331-67,770,414 (5.59 Mb, GRCh38 coordinates, 1-based), cytogenetic band 16q21-22.1.
Identifiers: ClinVar variation 59491 (VCV000059491.1).

ClinVar aggregate classification (germline): Pathogenic (1 of 4 stars; one submission).

Submission:

ISCA site 15
Classification: Pathogenic. Last evaluated: 2011-08-12. Review status: criteria provided, single submitter. Criteria: Kaminsky et al. (Genet Med. 2011). Collection method: clinical testing. Allele origin: de novo. Affected: yes. Observed: 1 variant allele.
Comment: Copy number variation identified through the course of routine clinical cytogenomic testing in postnatal populations. Clinical assertions have been curated as described in Kaminsky et al. 2011.